The following is an entry in ClinVar:

NM_004544.4(NDUFA10):c.450G>C (p.Leu150Phe)

Gene: NDUFA10 (NADH:ubiquinone oxidoreductase subunit A10; minus strand). Cytogenetic location: 2q37.3.
Variant type: single nucleotide variant.
Coding change: c.450G>C on transcript NM_004544.4 (MANE Select); coding-DNA position 450, G replaced by C.
Protein change: p.Leu150Phe; replaces leucine 150 with phenylalanine.
Molecular consequence: missense variant. On other transcripts: non-coding transcript variant (4).
Genome position (GRCh38, 1-based): chr2:240,021,207, C>G on the plus strand (G>C on the coding strand, the complement: NDUFA10 is on the minus strand). VCF-style: chr2-240021207-C-G. GRCh37 (hg19) VCF-style: chr2-240960624-C-G.
Other names: c.450G>C, p.Leu150Phe (NM_001322019.2, NM_001322020.2, NM_001410987.1); short protein forms L150F.
Identifiers: ClinVar variation 2111643 (VCV002111643.2), dbSNP rs2469849348, ClinGen allele CA351273831.
Genomic context (GRCh38, chr2:240,021,207, plus strand): 5'-AGAATAGTGTTCAAGTACAGAACAGATCTAACTGCCCAGAAATACTGCACCTGTGGTCAG[C>G]AAGTGCTCCAAGGCATCTGAGTACTGCAGCAGGCGACTGCTGTACAACCAGGACTGCAGG-3'
Protein context (NP_004535.1, residues 140-160): LLQYSDALEH[Leu150Phe]LTTGQGVVLE

ClinVar aggregate classification (germline): Uncertain significance (1 of 4 stars; one submission).

Submission:

Labcorp Genetics (formerly Invitae), Labcorp
Classification: Uncertain significance. Last evaluated: 2025-08-04. Review status: criteria provided, single submitter. Criteria: Invitae Variant Classification Sherloc (09022015). Collection method: clinical testing. Allele origin: germline.
Comment: This sequence change replaces leucine, which is neutral and non-polar, with phenylalanine, which is neutral and non-polar, at codon 150 of the NDUFA10 protein (p.Leu150Phe). This variant is not present in population databases (gnomAD no frequency). This variant has not been reported in the literature in individuals affected with NDUFA10-related conditions. ClinVar contains an entry for this variant (Variation ID: 2111643). Invitae Evidence Modeling of protein sequence and biophysical properties (such as structural, functional, and spatial information, amino acid conservation, physicochemical variation, residue mobility, and thermodynamic stability) indicates that this missense variant is expected to disrupt NDUFA10 protein function with a positive predictive value of 80%. In summary, the available evidence is currently insufficient to determine the role of this variant in disease. Therefore, it has been classified as a Variant of Uncertain Significance.